The following is an entry in ClinVar:

ClinVar aggregate classification (germline): Uncertain significance. Review status: criteria provided, multiple submitters, no conflicts (2 of 4 stars). 2 submissions from 2 submitters: Uncertain significance (2). Last evaluated 2025-01-04.

Allele frequency attached by ClinVar (database versions not stated): TOPMed below 0.00001.

Submissions (2):

Ambry Genetics
Classification: Uncertain significance. Last evaluated: 2025-01-04. Review status: criteria provided, single submitter. Criteria: Ambry Variant Classification Scheme 2023. Collection method: clinical testing. Allele origin: germline.

Labcorp Genetics (formerly Invitae), Labcorp
Classification: Uncertain significance. Last evaluated: 2023-12-04. Review status: criteria provided, single submitter. Criteria: Invitae Variant Classification Sherloc (09022015). Collection method: clinical testing. Allele origin: germline.
Comment: This sequence change replaces leucine, which is neutral and non-polar, with phenylalanine, which is neutral and non-polar, at codon 158 of the NUP133 protein (p.Leu158Phe). This variant is not present in population databases (gnomAD no frequency). This variant has not been reported in the literature in individuals affected with NUP133-related conditions. An algorithm developed to predict the effect of missense changes on protein structure and function (PolyPhen-2) suggests that this variant is likely to be disruptive. In summary, the available evidence is currently insufficient to determine the role of this variant in disease. Therefore, it has been classified as a Variant of Uncertain Significance.

NM_018230.3(NUP133):c.472C>T (p.Leu158Phe)

Gene: NUP133 (nucleoporin 133; minus strand). Cytogenetic location: 1q42.13.
Variant type: single nucleotide variant.
Coding change: c.472C>T on transcript NM_018230.3 (MANE Select); coding-DNA position 472, C replaced by T.
Protein change: p.Leu158Phe; replaces leucine 158 with phenylalanine.
Molecular consequence: missense variant.
Genome position (GRCh38, 1-based): chr1:229,500,797, G>A on the plus strand (C>T on the coding strand, the complement: NUP133 is on the minus strand). VCF-style: chr1-229500797-G-A. GRCh37 (hg19) VCF-style: chr1-229636544-G-A.
Other names: c.472C>T (NM_018230.2); short protein forms L158F.
Identifiers: ClinVar variation 2984580 (VCV002984580.4), dbSNP rs1661778390, ClinGen allele CA345170009.